The following is an entry in ClinVar:

NM_001330260.2(SCN8A):c.4800G>A (p.Met1600Ile)

Gene: SCN8A (sodium voltage-gated channel alpha subunit 8; plus strand). Cytogenetic location: 12q13.13.
Variant type: single nucleotide variant.
Coding change: c.4800G>A on transcript NM_001330260.2 (MANE Select); coding-DNA position 4800, G replaced by A.
Protein change: p.Met1600Ile; replaces methionine 1600 with isoleucine.
Molecular consequence: missense variant.
Genome position (GRCh38, 1-based): chr12:51,806,286, G>A. VCF-style: chr12-51806286-G-A. GRCh37 (hg19) VCF-style: chr12-52200070-G-A.
Other names: c.4677G>A, p.Met1559Ile (NM_001177984.3, NM_001369788.1); c.4800G>A, p.Met1600Ile (NM_014191.4); short protein forms M1600I, M1559I.
Identifiers: ClinVar variation 573377 (VCV000573377.14), dbSNP rs1565933795, ClinGen allele CA384880261.

ClinVar aggregate classification (germline): Pathogenic/Likely pathogenic. Review status: criteria provided, multiple submitters, no conflicts (2 of 4 stars). 2 submissions from 2 submitters: Pathogenic (1); Likely pathogenic (1). Last evaluated 2024-11-12.

Conditions:
Early-infantile DEE. Also called: Ohtahara syndrome; Early infantile epileptic encephalopathy; Early infantile epileptic encephalopathy with suppression bursts. Identifiers: Orphanet 1934, MedGen C0393706, MONDO:0800491.

Submissions (2):

GeneDx
Classification: Likely pathogenic. Last evaluated: 2024-11-12. Review status: criteria provided, single submitter. Criteria: GeneDx Variant Classification Process June 2021. Collection method: clinical testing. Allele origin: germline. Affected: yes.
Comment: Not observed at significant frequency in large population cohorts (gnomAD); In silico analysis supports that this missense variant has a deleterious effect on protein structure/function; This substitution is predicted to be within the transmembrane segment S3 of the fourth homologous domain; Has not been previously published as pathogenic or benign to our knowledge

Labcorp Genetics (formerly Invitae), Labcorp
Classification: Pathogenic for Early-infantile DEE. Last evaluated: 2024-11-11. Review status: criteria provided, single submitter. Criteria: Invitae Variant Classification Sherloc (09022015). Collection method: clinical testing. Allele origin: germline.
Comment: This sequence change replaces methionine, which is neutral and non-polar, with isoleucine, which is neutral and non-polar, at codon 1600 of the SCN8A protein (p.Met1600Ile). This variant is not present in population databases (gnomAD no frequency). This missense change has been observed in individual(s) with clinical features of benign familial neonatal-infantile seizures and/or SCN8A-related conditions (internal data). In at least one individual the variant was observed to be de novo. It has also been observed to segregate with disease in related individuals. ClinVar contains an entry for this variant (Variation ID: 573377). Invitae Evidence Modeling of protein sequence and biophysical properties (such as structural, functional, and spatial information, amino acid conservation, physicochemical variation, residue mobility, and thermodynamic stability) indicates that this missense variant is not expected to disrupt SCN8A protein function with a negative predictive value of 95%. For these reasons, this variant has been classified as Pathogenic.